The following is an entry in ClinVar:

ClinVar aggregate classification (germline): Uncertain significance (1 of 4 stars; one submission).

gnomAD v4.1: 1 of 1,614,166 alleles (0.000062%); highest among the groups gnomAD compares: Non-Finnish European, 0.000085%; no homozygotes.

Submission:

GeneDx
Classification: Uncertain significance. Last evaluated: 2025-02-24. Review status: criteria provided, single submitter. Criteria: GeneDx Variant Classification Process June 2021. Collection method: clinical testing. Allele origin: germline. Affected: yes.
Comment: Not observed at significant frequency in large population cohorts (gnomAD); In silico analysis indicates that this missense variant does not alter protein structure/function; Has not been previously published as pathogenic or benign to our knowledge

NM_000702.4(ATP1A2):c.2503A>G (p.Asn835Asp)

Gene: ATP1A2 (ATPase Na+/K+ transporting subunit alpha 2; plus strand). Cytogenetic location: 1q23.2.
Variant type: single nucleotide variant.
Coding change: c.2503A>G on transcript NM_000702.4 (MANE Select); coding-DNA position 2503, A replaced by G.
Protein change: p.Asn835Asp; replaces asparagine 835 with aspartic acid.
Molecular consequence: missense variant.
Genome position (GRCh38, 1-based): chr1:160,136,310, A>G. VCF-style: chr1-160136310-A-G. GRCh37 (hg19) VCF-style: chr1-160106100-A-G.
Other names: short protein forms N835D.
Identifiers: ClinVar variation 4076744 (VCV004076744.1).